The following is an entry in ClinVar:

ClinVar aggregate classification (germline): Likely pathogenic. Review status: criteria provided, single submitter (1 of 4 stars). 2 submissions from 2 submitters: Likely pathogenic (1). 1 of the submissions does not count toward it. Last evaluated 2022-10-30.

Conditions:
Danon disease. Also called: Glycogen Storage Disease Type IIb; PSEUDOGLYCOGENOSIS II; ANTOPOL DISEASE; GSD IIb; LYSOSOMAL GLYCOGEN STORAGE DISEASE WITHOUT ACID MALTASE DEFICIENCY. Identifiers: Orphanet 34587, MedGen C0878677, MONDO:0010281, OMIM 300257.

Submissions (2):

Labcorp Genetics (formerly Invitae), Labcorp
Classification: Likely pathogenic for Danon disease. Last evaluated: 2022-10-30. Review status: criteria provided, single submitter. Criteria: Invitae Variant Classification Sherloc (09022015). Collection method: clinical testing. Allele origin: germline.
Comment: This sequence change creates a premature translational stop signal (p.Lys361Serfs*19) in the LAMP2 gene. While this is not anticipated to result in nonsense mediated decay, it is expected to disrupt the last 50 amino acid(s) of the LAMP2 protein. This variant is not present in population databases (gnomAD no frequency). This premature translational stop signal has been observed in individual(s) with Danon disease (PMID: 17899313). It has also been observed to segregate with disease in related individuals. ClinVar contains an entry for this variant (Variation ID: 1323199). In summary, the currently available evidence indicates that the variant is pathogenic, but additional data are needed to prove that conclusively. Therefore, this variant has been classified as Likely Pathogenic.

OMIM
Classification: Pathogenic for DANON DISEASE. Last evaluated: 2007-01-01. Review status: no assertion criteria provided. Collection method: literature only. Allele origin: germline. Not counted in ClinVar's aggregate classification.

Literature cited by the submitters: PubMed 17899313 (cited by Labcorp Genetics (formerly Invitae), Labcorp and OMIM); PubMed 8504498 (cited by OMIM).

NM_002294.3(LAMP2):c.1082del (p.Lys361fs)

Gene: LAMP2 (lysosome associated membrane protein 2; minus strand). Cytogenetic location: Xq24.
Variant type: Deletion.
Coding change: c.1082del on transcript NM_002294.3 (MANE Select); coding-DNA position 1082, one base deleted (A; older notation c.1082delA).
Protein change: p.Lys361fs; shifts the reading frame from lysine 361.
Molecular consequence: frameshift variant.
Genome position (GRCh38, 1-based): chrX:120,441,741, T deleted on the plus strand (A on the coding strand, the reverse complement: LAMP2 is on the minus strand); the first of 3 consecutive T bases (chrX:120,441,741-120,441,743); deleting any one gives the same sequence. VCF-style (leftmost placement, unchanged base first): chrX-120441740-CT-C. GRCh37 (hg19) VCF-style: chrX-119575595-CT-C.
Other names: c.1082del, p.Lys361fs (NM_001122606.1, NM_013995.2); short protein forms K361fs.
Identifiers: ClinVar variation 1323199 (VCV001323199.6), dbSNP rs1436664364, ClinGen allele CA870728511.